The following is an entry in ClinVar:

NM_025179.4(PLXNA2):c.4634G>A (p.Arg1545Gln)

Gene: PLXNA2 (plexin A2; minus strand). Cytogenetic location: 1q32.2.
Variant type: single nucleotide variant.
Coding change: c.4634G>A on transcript NM_025179.4 (MANE Select); coding-DNA position 4634, G replaced by A.
Protein change: p.Arg1545Gln; replaces arginine 1545 with glutamine.
Molecular consequence: missense variant.
Genome position (GRCh38, 1-based): chr1:208,038,851, C>T on the plus strand (G>A on the coding strand, the complement: PLXNA2 is on the minus strand). VCF-style: chr1-208038851-C-T. GRCh37 (hg19) VCF-style: chr1-208212196-C-T.
Other names: short protein forms R1545Q.
Identifiers: ClinVar variation 3350797 (VCV003350797.1).

ClinVar aggregate classification (germline): Uncertain significance (0 of 4 stars; one submission).

Conditions:
PLXNA2-related disorder. Also called: PLXNA2-related condition.

gnomAD v4.1: 11 of 1,614,060 alleles (0.00068%); highest among the groups gnomAD compares: South Asian, 0.0066%; no homozygotes.

Submission:

PreventionGenetics, part of Exact Sciences
Classification: Uncertain significance for PLXNA2-related condition. Last evaluated: 2024-06-08. Review status: no assertion criteria provided. Collection method: clinical testing. Allele origin: germline.
Comment: The PLXNA2 c.4634G>A variant is predicted to result in the amino acid substitution p.Arg1545Gln. To our knowledge, this variant has not been reported in the literature. This variant is reported in 0.0033% of alleles in individuals of South Asian descent in gnomAD. At this time, the clinical significance of this variant is uncertain due to the absence of conclusive functional and genetic evidence.